The following is an entry in ClinVar:

ClinVar aggregate classification (germline): Uncertain significance (1 of 4 stars; one submission).

Submission:

Mayo Clinic Laboratories, Mayo Clinic
Classification: Uncertain significance. Last evaluated: 2025-06-06. Review status: criteria provided, single submitter. Criteria: ACMG Guidelines, 2015. Collection method: clinical testing. Allele origin: germline. Observed: 1 variant allele.
Comment: BP4_moderate, PM2_supporting

NM_004484.4(GPC3):c.1208G>A (p.Ser403Asn)

Gene: GPC3 (glypican 3; minus strand). Cytogenetic location: Xq26.2.
Variant type: single nucleotide variant.
Coding change: c.1208G>A on transcript NM_004484.4 (MANE Select); coding-DNA position 1208, G replaced by A.
Protein change: p.Ser403Asn; replaces serine 403 with asparagine.
Molecular consequence: missense variant.
Genome position (GRCh38, 1-based): chrX:133,692,453, C>T on the plus strand (G>A on the coding strand, the complement: GPC3 is on the minus strand). VCF-style: chrX-133692453-C-T. GRCh37 (hg19) VCF-style: chrX-132826481-C-T.
Other names: p.Ser403Asn; c.1277G>A, p.Ser426Asn (NM_001164617.2); c.1160G>A, p.Ser387Asn (NM_001164618.2); c.1046G>A, p.Ser349Asn (NM_001164619.2); short protein forms S403N, S426N, S349N, S387N.
Identifiers: ClinVar variation 4542496 (VCV004542496.1).
Genomic context (GRCh38, chrX:133,692,453, plus strand): 5'-CAGCAAAGGGTGTCGTTTTCCGCCACAGGGCTATGGCTGCAGATGTAGCCAGGCAAAGCA[C>T]TATAGAAGCTGATGAAAGACTTCAACTTCTGAATTAGTTCCCTAAAAGAAAAACAAAACA-3'
Protein context (NP_004475.1, residues 393-413): QKLKSFISFY[Ser403Asn]ALPGYICSHS